The following is an entry in ClinVar:

ClinVar aggregate classification (germline): Uncertain significance (1 of 4 stars; one submission).

Conditions:
Oligodontia-cancer predisposition syndrome. Also called: TOOTH AGENESIS-COLORECTAL CANCER SYNDROME. Identifiers: Orphanet 300576, MedGen C1837750, MONDO:0012075, OMIM 608615. Disease mechanism: loss of function.

Submission:

Labcorp Genetics (formerly Invitae), Labcorp
Classification: Uncertain significance for Oligodontia-cancer predisposition syndrome. Last evaluated: 2021-08-02. Review status: criteria provided, single submitter. Criteria: Invitae Variant Classification Sherloc (09022015). Collection method: clinical testing. Allele origin: germline.
Comment: In summary, the available evidence is currently insufficient to determine the role of this variant in disease. Therefore, it has been classified as a Variant of Uncertain Significance. Algorithms developed to predict the effect of missense changes on protein structure and function are either unavailable or do not agree on the potential impact of this missense change (SIFT: "Deleterious"; PolyPhen-2: "Possibly Damaging"; Align-GVGD: "Class C15"). This variant has not been reported in the literature in individuals affected with AXIN2-related conditions. This variant is not present in population databases (ExAC no frequency). This sequence change replaces serine with arginine at codon 557 of the AXIN2 protein (p.Ser557Arg). The serine residue is highly conserved and there is a moderate physicochemical difference between serine and arginine.

NM_004655.4(AXIN2):c.1671C>G (p.Ser557Arg)

Gene: AXIN2 (axin 2; minus strand). Cytogenetic location: 17q24.1.
Variant type: single nucleotide variant.
Coding change: c.1671C>G on transcript NM_004655.4 (MANE Select); coding-DNA position 1671, C replaced by G.
Protein change: p.Ser557Arg; replaces serine 557 with arginine.
Molecular consequence: missense variant.
Genome position (GRCh38, 1-based): chr17:65,537,365, G>C on the plus strand (C>G on the coding strand, the complement: AXIN2 is on the minus strand). VCF-style: chr17-65537365-G-C. GRCh37 (hg19) VCF-style: chr17-63533483-G-C.
Other names: c.1671C>G, p.Ser557Arg (NM_001363813.1); short protein forms S557R.
Identifiers: ClinVar variation 1371755 (VCV001371755.6), dbSNP rs763146338, ClinGen allele CA400676870.